The following is an entry in ClinVar:

NM_017727.5(TMEM214):c.504T>A (p.Asp168Glu)

Gene: TMEM214 (transmembrane protein 214; plus strand). Cytogenetic location: 2p23.3.
Variant type: single nucleotide variant.
Coding change: c.504T>A on transcript NM_017727.5 (MANE Select); coding-DNA position 504, T replaced by A.
Protein change: p.Asp168Glu; replaces aspartic acid 168 with glutamic acid.
Molecular consequence: missense variant. On other transcripts: intron variant (1).
Genome position (GRCh38, 1-based): chr2:27,035,595, T>A. VCF-style: chr2-27035595-T-A. GRCh37 (hg19) VCF-style: chr2-27258463-T-A.
Other names: c.502+310T>A (NM_001083590.2); short protein forms D168E.
Identifiers: ClinVar variation 2650755 (VCV002650755.24), dbSNP rs2465355987, ClinGen allele CA346152146.

ClinVar aggregate classification (germline): Uncertain significance (1 of 4 stars; one submission).

Submission:

CeGaT Center for Human Genetics Tuebingen
Classification: Uncertain significance. Last evaluated: 2022-04-01. Review status: criteria provided, single submitter. Criteria: CeGaT Center For Human Genetics Tuebingen Variant Classification Criteria Version 2. Collection method: clinical testing. Allele origin: germline. Affected: yes. Observed: 1 variant allele.
Comment: TMEM214: PM2